The following is an entry in ClinVar:

ClinVar aggregate classification (germline): Likely pathogenic (1 of 4 stars; one submission).

Conditions:
Cohen syndrome (COH1). Also called: PEPPER SYNDROME; Cutis verticis gyrata, retinitis pigmentosa, and sensorineural deafness. Identifiers: Orphanet 193, MedGen C0265223, MONDO:0008999, OMIM 216550.

Submission:

Natera, Inc.
Classification: Likely pathogenic for Cohen syndrome. Last evaluated: 2024-04-11. Review status: criteria provided, single submitter. Criteria: Natera Variant Classification Schema (03/2026). Collection method: clinical testing. Allele origin: germline.
Comment: The c.9016A>T variant in VPS13B is a nonsense variant predicted to introduce a stop codon at amino acid 3006. This variant is expected to result in nonsense mediated decay, truncation, or a dysfunctional protein product. This variant is rare in the general population with a frequency below the threshold expected for the associated phenotype(s). Given the available evidence, this variant is classified as Likely Pathogenic.

NM_152564.5(VPS13B):c.8941A>T (p.Lys2981Ter)

Gene: VPS13B (vacuolar protein sorting 13 homolog B; plus strand). Cytogenetic location: 8q22.2.
Variant type: single nucleotide variant.
Coding change: c.8941A>T on transcript NM_152564.5 (MANE Select); coding-DNA position 8941, A replaced by T.
Protein change: p.Lys2981Ter; replaces lysine 2981 with a stop codon.
Molecular consequence: nonsense.
Genome position (GRCh38, 1-based): chr8:99,820,069, A>T. VCF-style: chr8-99820069-A-T. GRCh37 (hg19) VCF-style: chr8-100832297-A-T.
Other names: c.9016A>T, p.Lys3006Ter (NM_017890.5); short protein forms K2981*, K3006*.
Identifiers: ClinVar variation 4815981 (VCV004815981.1).